The following is an entry in ClinVar:

ClinVar aggregate classification (germline): Pathogenic (1 of 4 stars; one submission).

Conditions:
Neuroocular syndrome 1 (NOC1). Identifiers: Orphanet 659904, MedGen C5925133, MONDO:0971007, OMIM 619539.

Submission:

Victorian Clinical Genetics Services, Murdoch Childrens Research Institute
Classification: Pathogenic for Neuroocular syndrome 1. Last evaluated: 2025-10-20. Review status: criteria provided, single submitter. Criteria: ACMG Guidelines, 2015. Collection method: clinical testing. Allele origin: germline. Affected: yes.
Comment: This variant is classified as Pathogenic. Evidence in support of pathogenic classification: Variant is predicted to cause nonsense-mediated decay (NMD) and loss of protein (premature termination codon is located at least 54 nucleotides upstream of the final exon-exon junction); Variant is absent from gnomAD (v2, v3 and v4); Other NMD-predicted variant(s) comparable to the one identified in this case have very strong previous evidence for pathogenicity (DECIPHER). Additional information: This variant is heterozygous; This gene is associated with autosomal dominant disease; This variant has no previous evidence of pathogenicity; No published functional evidence has been identified for this variant; Loss of function is a known mechanism of disease in this gene and is associated with neuroocular syndrome (MIM#619539).

NM_020719.3(PRR12):c.4344del (p.Glu1449fs)

Gene: PRR12 (proline rich 12; plus strand). Cytogenetic location: 19q13.33.
Variant type: Deletion.
Coding change: c.4344del on transcript NM_020719.3 (MANE Select); coding-DNA position 4344, one base deleted (C; older notation c.4344delC).
Protein change: p.Glu1449fs; shifts the reading frame from glutamic acid 1449.
Molecular consequence: frameshift variant.
Genome position (GRCh38, 1-based): chr19:49,599,937, C deleted; the last of 3 consecutive C bases (chr19:49,599,935-49,599,937); deleting any one gives the same sequence. VCF-style (leftmost placement, unchanged base first): chr19-49599934-TC-T. GRCh37 (hg19) VCF-style: chr19-50103191-TC-T.
Other names: short protein forms E1449fs.
Identifiers: ClinVar variation 1699083 (VCV001699083.4), dbSNP rs2122311106, ClinGen allele CA1139532810.